The following is an entry in ClinVar:

NM_004629.2(FANCG):c.911A>G (p.Glu304Gly)

Gene: FANCG (FA complementation group G; minus strand). Cytogenetic location: 9p13.3.
Variant type: single nucleotide variant.
Coding change: c.911A>G on transcript NM_004629.2 (MANE Select); coding-DNA position 911, A replaced by G.
Protein change: p.Glu304Gly; replaces glutamic acid 304 with glycine.
Molecular consequence: missense variant.
Genome position (GRCh38, 1-based): chr9:35,076,737, T>C on the plus strand (A>G on the coding strand, the complement: FANCG is on the minus strand). VCF-style: chr9-35076737-T-C. GRCh37 (hg19) VCF-style: chr9-35076734-T-C.
Other names: short protein forms E304G.
Identifiers: ClinVar variation 4254441 (VCV004254441.1).

ClinVar aggregate classification (germline): Uncertain significance (1 of 4 stars; one submission).

Conditions:
Inborn genetic diseases. Identifiers: MedGen C0950123, MeSH D030342.

Submission:

Ambry Genetics
Classification: Uncertain significance for Inborn genetic diseases. Last evaluated: 2025-07-14. Review status: criteria provided, single submitter. Criteria: Ambry Variant Classification Scheme 2023. Collection method: clinical testing. Allele origin: germline.
Comment: The p.E304G variant (also known as c.911A>G), located in coding exon 7 of the FANCG gene, results from an A to G substitution at nucleotide position 911. The glutamic acid at codon 304 is replaced by glycine, an amino acid with similar properties. This amino acid position is conserved. In addition, this alteration is predicted to be tolerated by in silico analysis. Based on the available evidence, the clinical significance of this variant remains unclear.